The following is an entry in ClinVar:

NM_001164508.2(NEB):c.4703G>A (p.Arg1568Lys)

Gene: NEB (nebulin; minus strand). Cytogenetic location: 2q23.3.
Variant type: single nucleotide variant.
Coding change: c.4703G>A on transcript NM_001164508.2 (MANE Select); coding-DNA position 4703, G replaced by A.
Protein change: p.Arg1568Lys; replaces arginine 1568 with lysine.
Molecular consequence: missense variant.
Genome position (GRCh38, 1-based): chr2:151,667,820, C>T on the plus strand (G>A on the coding strand, the complement: NEB is on the minus strand). VCF-style: chr2-151667820-C-T. GRCh37 (hg19) VCF-style: chr2-152524334-C-T.
Other names: c.4703G>A, p.Arg1568Lys (NM_001164507.2, NM_001271208.2, NM_004543.5); short protein forms R1568K.
Identifiers: ClinVar variation 1907188 (VCV001907188.5), dbSNP rs2552258932, ClinGen allele CA348814214.
Genomic context (GRCh38, chr2:151,667,820, plus strand): 5'-AAGTCTTTTAGATAGAAAGTTTCCTACTTTTAAGTTAGACTTACATCACTAGCAATATTC[C>T]TTGAACTTTTTGCAGCAACAATTGGGATGGCATCTGGTCTCAAATCATAGCCCTTGGCAA-3'
Protein context (NP_001157980.2, residues 1558-1578): AIPIVAAKSS[Arg1568Lys]NIASDCKYKE

ClinVar aggregate classification (germline): Uncertain significance (1 of 4 stars; one submission).

Conditions:
Nemaline myopathy 2 (NEM2). Also called: Nemaline myopathy 2, autosomal recessive. Identifiers: MedGen C1850569, MONDO:0009725, OMIM 256030.

Submission:

Labcorp Genetics (formerly Invitae), Labcorp
Classification: Uncertain significance for Nemaline myopathy 2. Last evaluated: 2024-01-22. Review status: criteria provided, single submitter. Criteria: Invitae Variant Classification Sherloc (09022015). Collection method: clinical testing. Allele origin: germline.
Comment: This sequence change replaces arginine, which is basic and polar, with lysine, which is basic and polar, at codon 1568 of the NEB protein (p.Arg1568Lys). This variant is not present in population databases (gnomAD no frequency). This variant has not been reported in the literature in individuals affected with NEB-related conditions. ClinVar contains an entry for this variant (Variation ID: 1907188). Experimental studies and prediction algorithms are not available or were not evaluated, and the functional significance of this variant is currently unknown. In summary, the available evidence is currently insufficient to determine the role of this variant in disease. Therefore, it has been classified as a Variant of Uncertain Significance.